The following is an entry in ClinVar:

NM_000237.3(LPL):c.1030C>G (p.Gln344Glu)

Gene: LPL (lipoprotein lipase; plus strand). Cytogenetic location: 8p21.3.
Variant type: single nucleotide variant.
Coding change: c.1030C>G on transcript NM_000237.3 (MANE Select); coding-DNA position 1030, C replaced by G.
Protein change: p.Gln344Glu; replaces glutamine 344 with glutamic acid.
Molecular consequence: missense variant.
Genome position (GRCh38, 1-based): chr8:19,959,271, C>G. VCF-style: chr8-19959271-C-G. GRCh37 (hg19) VCF-style: chr8-19816782-C-G.
Other names: short protein forms Q344E.
Identifiers: ClinVar variation 4048218 (VCV004048218.2).

ClinVar aggregate classification (germline): Uncertain significance. Review status: criteria provided, multiple submitters, no conflicts (2 of 4 stars). 2 submissions from 2 submitters: Uncertain significance (2). Last evaluated 2025-08-29.

Conditions:
LPL-related disorder. Also called: LPL-related condition.
Cardiovascular phenotype. Identifiers: MedGen CN230736.

gnomAD v4.1: 3 of 1,613,958 alleles (0.00019%); highest among the groups gnomAD compares: Non-Finnish European, 0.00025%; no homozygotes.

Submissions (2):

PreventionGenetics, part of Exact Sciences
Classification: Uncertain significance for LPL-related condition. Last evaluated: 2025-08-29. Review status: criteria provided, single submitter. Criteria: ACMG Guidelines, 2015. Collection method: clinical testing. Allele origin: germline.
Comment: The LPL c.1030C>G variant is predicted to result in the amino acid substitution p.Gln344Glu. To our knowledge, this variant has not been reported in the literature or in a large population database (gnomAD), indicating this variant is rare. At this time, the clinical significance of this variant is uncertain due to the absence of conclusive functional and genetic evidence.

Ambry Genetics
Classification: Uncertain significance for Cardiovascular phenotype. Last evaluated: 2025-03-31. Review status: criteria provided, single submitter. Criteria: Ambry Variant Classification Scheme 2023. Collection method: clinical testing. Allele origin: germline.
Comment: The p.Q344E variant (also known as c.1030C>G), located in coding exon 7 of the LPL gene, results from a C to G substitution at nucleotide position 1030. The glutamine at codon 344 is replaced by glutamic acid, an amino acid with highly similar properties. This amino acid position is conserved. In addition, the in silico prediction for this alteration is inconclusive. Based on the available evidence, the clinical significance of this variant remains unclear.